The following is an entry in ClinVar:

ClinVar aggregate classification (germline): Likely pathogenic (1 of 4 stars; one submission).

Conditions:
Neurooculorenal syndrome (NORS). Identifiers: MedGen C5830377, MONDO:0957210, OMIM 620305.

Submission:

Juno Genomics, Hangzhou Juno Genomics, Inc
Classification: Likely pathogenic for Neurooculorenal syndrome. Review status: criteria provided, single submitter. Criteria: ACMG Guidelines, 2015. Collection method: clinical testing. Allele origin: germline.
Comment: Null variant in a gene where loss of function (LOF) is a known mechanism of disease.;Absent from controls (or at extremely low frequency if recessive) in Genome Aggregation Database.

NM_002941.4(ROBO1):c.2472C>G (p.Tyr824Ter)

Gene: ROBO1 (roundabout guidance receptor 1; minus strand). Cytogenetic location: 3p12.3.
Variant type: single nucleotide variant.
Coding change: c.2472C>G on transcript NM_002941.4 (MANE Select); coding-DNA position 2472, C replaced by G.
Protein change: p.Tyr824Ter; replaces tyrosine 824 with a stop codon.
Molecular consequence: nonsense.
Genome position (GRCh38, 1-based): chr3:78,657,240, G>C on the plus strand (C>G on the coding strand, the complement: ROBO1 is on the minus strand). VCF-style: chr3-78657240-G-C. GRCh37 (hg19) VCF-style: chr3-78706390-G-C.
Other names: c.2364C>G, p.Tyr788Ter (NM_001145845.2, NM_133631.4); short protein forms Y824*, Y788*.
Identifiers: ClinVar variation 5006698 (VCV005006698.2).
Genomic context (GRCh38, chr3:78,657,240, plus strand): 5'-AGGAACAAGAAAGGGAATGACCACGGAAAAGGTGGAACCATCCACTGTTTTGTTGATGTG[G>C]TATCGAGTTTCATTGCCCAGACACCAAACCTGTAAGAAGCACATCACAAAAATCAAGCTG-3'